The following is an entry in ClinVar:

NM_015629.4(PRPF31):c.1132A>T (p.Met378Leu)

Gene: PRPF31 (pre-mRNA processing factor 31; plus strand). Cytogenetic location: 19q13.42.
Variant type: single nucleotide variant.
Coding change: c.1132A>T on transcript NM_015629.4 (MANE Select); coding-DNA position 1132, A replaced by T.
Protein change: p.Met378Leu; replaces methionine 378 with leucine.
Molecular consequence: missense variant.
Genome position (GRCh38, 1-based): chr19:54,128,363, A>T. VCF-style: chr19-54128363-A-T. GRCh37 (hg19) VCF-style: chr19-54631738-A-T.
Other names: short protein forms M378L.
Identifiers: ClinVar variation 1359123 (VCV001359123.6), dbSNP rs754394723, ClinGen allele CA309329623.

ClinVar aggregate classification (germline): Uncertain significance (1 of 4 stars; one submission).

Allele frequency attached by ClinVar (database versions not stated): gnomAD 0.00001; gnomAD exomes 0.00001 and 0.00002.
gnomAD v4.1: 26 of 1,532,484 alleles (0.0017%); highest among the groups gnomAD compares: Non-Finnish European, 0.0023%; no homozygotes.

Submission:

Labcorp Genetics (formerly Invitae), Labcorp
Classification: Uncertain significance. Last evaluated: 2022-03-10. Review status: criteria provided, single submitter. Criteria: Invitae Variant Classification Sherloc (09022015). Collection method: clinical testing. Allele origin: germline.
Comment: In summary, the available evidence is currently insufficient to determine the role of this variant in disease. Therefore, it has been classified as a Variant of Uncertain Significance. Algorithms developed to predict the effect of missense changes on protein structure and function are either unavailable or do not agree on the potential impact of this missense change (SIFT: "Deleterious"; PolyPhen-2: "Benign"; Align-GVGD: "Class C0"). This variant has not been reported in the literature in individuals affected with PRPF31-related conditions. This variant is present in population databases (rs754394723, gnomAD 0.002%). This sequence change replaces methionine, which is neutral and non-polar, with leucine, which is neutral and non-polar, at codon 378 of the PRPF31 protein (p.Met378Leu).